The following is an entry in ClinVar:

ClinVar aggregate classification (germline): Uncertain significance (1 of 4 stars; one submission).

Conditions:
Tuberous sclerosis 1 (TSC1). Identifiers: Orphanet 805, MedGen C1854465, MONDO:0008612, OMIM 191100.

Submission:

Labcorp Genetics (formerly Invitae), Labcorp
Classification: Uncertain significance for Tuberous sclerosis 1. Last evaluated: 2024-09-27. Review status: criteria provided, single submitter. Criteria: Invitae Variant Classification Sherloc (09022015). Collection method: clinical testing. Allele origin: germline.
Comment: This sequence change replaces glutamic acid, which is acidic and polar, with alanine, which is neutral and non-polar, at codon 857 of the TSC1 protein (p.Glu857Ala). This variant is not present in population databases (gnomAD no frequency). This variant has not been reported in the literature in individuals affected with TSC1-related conditions. Invitae Evidence Modeling of protein sequence and biophysical properties (such as structural, functional, and spatial information, amino acid conservation, physicochemical variation, residue mobility, and thermodynamic stability) indicates that this missense variant is not expected to disrupt TSC1 protein function with a negative predictive value of 95%. In summary, the available evidence is currently insufficient to determine the role of this variant in disease. Therefore, it has been classified as a Variant of Uncertain Significance.

NM_000368.5(TSC1):c.2570A>C (p.Glu857Ala)

Gene: TSC1 (TSC complex subunit 1; minus strand). Cytogenetic location: 9q34.13.
Variant type: single nucleotide variant.
Coding change: c.2570A>C on transcript NM_000368.5 (MANE Select); coding-DNA position 2570, A replaced by C.
Protein change: p.Glu857Ala; replaces glutamic acid 857 with alanine.
Molecular consequence: missense variant. On other transcripts: non-coding transcript variant (5).
Genome position (GRCh38, 1-based): chr9:132,900,770, T>G on the plus strand (A>C on the coding strand, the complement: TSC1 is on the minus strand). VCF-style: chr9-132900770-T-G. GRCh37 (hg19) VCF-style: chr9-135776157-T-G.
Other names: c.2570A>C, p.Glu857Ala (NM_001406592.1, NM_001406593.1, NM_001406594.1 and 2 more transcripts); c.2567A>C, p.Glu856Ala (NM_001406597.1, NM_001406598.1, NM_001406599.1 and 2 more transcripts); c.2414A>C, p.Glu805Ala (NM_001406611.1, NM_001406612.1); c.2372A>C, p.Glu791Ala (NM_001406613.1); c.2207A>C, p.Glu736Ala (NM_001406614.1, NM_001406615.1, NM_001406616.1 and 4 more transcripts); c.1517A>C, p.Glu506Ala (NM_001406630.1, NM_001406629.1); c.2555A>C, p.Glu852Ala (NM_001406601.1, NM_001406602.1); c.2552A>C, p.Glu851Ala (NM_001406603.1, NM_001406604.1); and 8 more; short protein forms E506A, E721A, E805A, E806A, E843A, E540A, E722A, E852A.
Identifiers: ClinVar variation 3720839 (VCV003720839.2).